The following is an entry in ClinVar:

ClinVar aggregate classification (germline): Uncertain significance. Review status: criteria provided, multiple submitters, no conflicts (2 of 4 stars). 2 submissions from 2 submitters: Uncertain significance (2). Last evaluated 2025-02-25.

Conditions:
Hereditary cancer-predisposing syndrome. Also called: Hereditary Cancer Syndrome; Tumor predisposition; Hereditary neoplastic syndrome; Neoplastic Syndromes, Hereditary. Identifiers: Orphanet 140162, MedGen C0027672, MeSH D009386, MONDO:0015356.
Fanconi anemia complementation group J. Also called: BRIP1-Related Fanconi Anemia. Identifiers: Orphanet 84, MedGen C1836860, MONDO:0012187, OMIM 609054.
Familial cancer of breast. Also called: hereditary breast carcinoma; Hereditary breast cancer; BREAST CANCER, FAMILIAL. Identifiers: Orphanet 227535, MedGen C0346153, MONDO:0016419, OMIM 114480. Disease mechanism: loss of function.

Allele frequency attached by ClinVar (database versions not stated): TOPMed below 0.00001.

Submissions (2):

Ambry Genetics
Classification: Uncertain significance for Hereditary cancer-predisposing syndrome. Last evaluated: 2025-02-25. Review status: criteria provided, single submitter. Criteria: Ambry Variant Classification Scheme 2023. Collection method: clinical testing. Allele origin: germline.
Comment: The p.I1198F variant (also known as c.3592A>T), located in coding exon 19 of the BRIP1 gene, results from an A to T substitution at nucleotide position 3592. The isoleucine at codon 1198 is replaced by phenylalanine, an amino acid with highly similar properties. This amino acid position is not well conserved in available vertebrate species. In addition, this alteration is predicted to be tolerated by in silico analysis. Since supporting evidence is limited at this time, the clinical significance of this alteration remains unclear.

Labcorp Genetics (formerly Invitae), Labcorp
Classification: Uncertain significance for Familial cancer of breast; Fanconi anemia complementation group J. Last evaluated: 2024-05-06. Review status: criteria provided, single submitter. Criteria: Invitae Variant Classification Sherloc (09022015). Collection method: clinical testing. Allele origin: germline.
Comment: This sequence change replaces isoleucine, which is neutral and non-polar, with phenylalanine, which is neutral and non-polar, at codon 1198 of the BRIP1 protein (p.Ile1198Phe). This variant is not present in population databases (gnomAD no frequency). This variant has not been reported in the literature in individuals affected with BRIP1-related conditions. ClinVar contains an entry for this variant (Variation ID: 1052556). Algorithms developed to predict the effect of missense changes on protein structure and function output the following: SIFT: "Not Available"; PolyPhen-2: "Benign"; Align-GVGD: "Not Available". The phenylalanine amino acid residue is found in multiple mammalian species, which suggests that this missense change does not adversely affect protein function. In summary, the available evidence is currently insufficient to determine the role of this variant in disease. Therefore, it has been classified as a Variant of Uncertain Significance.

NM_032043.3(BRIP1):c.3592A>T (p.Ile1198Phe)

Gene: BRIP1 (BRCA1 interacting DNA helicase 1; minus strand). Cytogenetic location: 17q23.2.
Variant type: single nucleotide variant.
Coding change: c.3592A>T on transcript NM_032043.3 (MANE Select); coding-DNA position 3592, A replaced by T.
Protein change: p.Ile1198Phe; replaces isoleucine 1198 with phenylalanine.
Molecular consequence: missense variant.
Genome position (GRCh38, 1-based): chr17:61,683,454, T>A on the plus strand (A>T on the coding strand, the complement: BRIP1 is on the minus strand). VCF-style: chr17-61683454-T-A. GRCh37 (hg19) VCF-style: chr17-59760815-T-A.
Other names: short protein forms I1198F.
Identifiers: ClinVar variation 1052556 (VCV001052556.13), dbSNP rs2061300867, ClinGen allele CA400478122.